The following is an entry in ClinVar:

NM_004360.5(CDH1):c.861A>G (p.Thr287=)

Gene: CDH1 (cadherin 1; plus strand). Cytogenetic location: 16q22.1.
Variant type: single nucleotide variant.
Coding change: c.861A>G on transcript NM_004360.5 (MANE Select); coding-DNA position 861, A replaced by G.
Protein change: p.Thr287=; no amino-acid change (threonine 287 retained).
Molecular consequence: synonymous variant. On other transcripts: 5 prime UTR variant (2).
Genome position (GRCh38, 1-based): chr16:68,811,712, A>G. VCF-style: chr16-68811712-A-G. GRCh37 (hg19) VCF-style: chr16-68845615-A-G.
Other names: c.861A>G, p.Thr287= (NM_001317184.2); c.-755A>G (NM_001317185.2); c.-959A>G (NM_001317186.2).
Identifiers: ClinVar variation 757793 (VCV000757793.12), dbSNP rs1597893981, ClinGen allele CA496152861.

ClinVar aggregate classification (germline): Benign/Likely benign. Review status: criteria provided, multiple submitters, no conflicts (2 of 4 stars). 3 submissions from 3 submitters: Benign (1); Likely benign (2). Last evaluated 2024-09-16.

Conditions:
Hereditary diffuse gastric adenocarcinoma (HDGC). Also called: DIFFUSE GASTRIC AND LOBULAR BREAST CANCER SYNDROME. Identifiers: Orphanet 26106, MedGen C1708349, MONDO:0007648, OMIM 137215.
Hereditary cancer-predisposing syndrome. Also called: Tumor predisposition; Hereditary Cancer Syndrome; Neoplastic Syndromes, Hereditary; Hereditary neoplastic syndrome. Identifiers: Orphanet 140162, MedGen C0027672, MeSH D009386, MONDO:0015356.

Submissions (3):

Myriad Genetics, Inc.
Classification: Benign for Hereditary diffuse gastric adenocarcinoma. Last evaluated: 2024-09-16. Review status: criteria provided, single submitter. Criteria: Myriad Autosomal Dominant, Autosomal Recessive and X-Linked Classification Criteria (2023). Collection method: clinical testing. Allele origin: unknown.
Comment: This variant is considered benign. This variant is a silent/synonymous amino acid change and it is not expected to impact splicing.

Labcorp Genetics (formerly Invitae), Labcorp
Classification: Likely benign for Hereditary diffuse gastric adenocarcinoma. Last evaluated: 2022-03-03. Review status: criteria provided, single submitter. Criteria: Invitae Variant Classification Sherloc (09022015). Collection method: clinical testing. Allele origin: germline.

Color Diagnostics, LLC DBA Color Health
Classification: Likely benign for Hereditary cancer-predisposing syndrome. Last evaluated: 2019-02-12. Review status: criteria provided, single submitter. Criteria: ACMG Guidelines, 2015. Collection method: clinical testing. Allele origin: germline.